The following is an entry in ClinVar:

ClinVar aggregate classification (germline): Uncertain significance (1 of 4 stars; one submission).

Conditions:
Hereditary hyperekplexia. Identifiers: Orphanet 3197, MedGen C4084968, MONDO:0021022.

Submission:

Labcorp Genetics (formerly Invitae), Labcorp
Classification: Uncertain significance for Hereditary hyperekplexia. Last evaluated: 2020-12-04. Review status: criteria provided, single submitter. Criteria: Invitae Variant Classification Sherloc (09022015). Collection method: clinical testing. Allele origin: germline.
Comment: This variant is not present in population databases (ExAC no frequency). This sequence change replaces glycine with arginine at codon 297 of the GLRA1 protein (p.Gly297Arg). The glycine residue is highly conserved and there is a moderate physicochemical difference between glycine and arginine. In summary, the available evidence is currently insufficient to determine the role of this variant in disease. Therefore, it has been classified as a Variant of Uncertain Significance. This variant has not been reported in the literature in individuals with GLRA1-related conditions. Advanced modeling of protein sequence and biophysical properties (such as structural, functional, and spatial information, amino acid conservation, physicochemical variation, residue mobility, and thermodynamic stability) performed at Invitae indicates that this missense variant is expected to disrupt GLRA1 protein function.

NM_000171.4(GLRA1):c.889G>C (p.Gly297Arg)

Gene: GLRA1 (glycine receptor alpha 1; minus strand). Cytogenetic location: 5q33.1.
Variant type: single nucleotide variant.
Coding change: c.889G>C on transcript NM_000171.4 (MANE Select); coding-DNA position 889, G replaced by C.
Protein change: p.Gly297Arg; replaces glycine 297 with arginine.
Molecular consequence: missense variant.
Genome position (GRCh38, 1-based): chr5:151,851,413, C>G on the plus strand (G>C on the coding strand, the complement: GLRA1 is on the minus strand). VCF-style: chr5-151851413-C-G. GRCh37 (hg19) VCF-style: chr5-151230974-C-G.
Other names: c.889G>C, p.Gly297Arg (NM_001146040.2); c.640G>C, p.Gly214Arg (NM_001292000.2); short protein forms G214R, G297R.
Identifiers: ClinVar variation 1524716 (VCV001524716.8), dbSNP rs1561556166, ClinGen allele CA361837341.
Genomic context (GRCh38, chr5:151,851,413, plus strand): 5'-GTCCAGGTGTTCTGTGCTCTTGGGCAATGGGACTTACCTTGGGCAGAGATGCTCGAGAGC[C>G]GGAGCTCTGGGTGGTCATGGTGAGCACAGTGGTGATGCCTAGGCCCACACGAGCAGGTGC-3'
Protein context (NP_000162.2, residues 287-307): TVLTMTTQSS[Gly297Arg]SRASLPKVSY